The following is an entry in ClinVar:

ClinVar aggregate classification (germline): Conflicting classifications of pathogenicity. Review status: criteria provided, conflicting classifications (1 of 4 stars). 6 submissions from 6 submitters: Uncertain significance (5); Likely benign (1). Last evaluated 2025-06-25.

Conditions:
Breast-ovarian cancer, familial, susceptibility to, 1 (BROVCA1). Also called: BRCA1 Hereditary Breast and Ovarian Cancer; OVARIAN CANCER, SUSCEPTIBILITY TO. Identifiers: Orphanet 145, MedGen C2676676, MONDO:0011450, OMIM 604370. Disease mechanism: loss of function.
Hereditary cancer-predisposing syndrome. Also called: Tumor predisposition; Neoplastic Syndromes, Hereditary; Hereditary Cancer Syndrome; Hereditary neoplastic syndrome. Identifiers: Orphanet 140162, MedGen C0027672, MeSH D009386, MONDO:0015356.
Hereditary breast ovarian cancer syndrome. Also called: Hereditary breast and ovarian cancer; Hereditary breast and ovarian cancer syndrome; Hereditary breast and ovarian cancer syndrome (HBOC); Breast and ovarian cancer; BRCA1- and BRCA2-Associated Hereditary Breast and Ovarian Cancer; Hereditary breast and/or ovarian cancer syndrome. Identifiers: Orphanet 145, MedGen C0677776, MeSH D061325, MONDO:0003582. Disease mechanism: loss of function.
Familial cancer of breast. Also called: hereditary breast carcinoma; BREAST CANCER, FAMILIAL; Hereditary breast cancer. Identifiers: Orphanet 227535, MedGen C0346153, MONDO:0016419, OMIM 114480. Disease mechanism: loss of function.
Fanconi anemia, complementation group S (FANCS). Identifiers: MedGen C4554406, MONDO:0054748, OMIM 617883.

Submissions (6):

Ambry Genetics
Classification: Uncertain significance for Hereditary cancer-predisposing syndrome. Last evaluated: 2025-06-25. Review status: criteria provided, single submitter. Criteria: Ambry Variant Classification Scheme 2023. Collection method: clinical testing. Allele origin: germline.
Comment: The p.T737A variant (also known as c.2209A>G), located in coding exon 9 of the BRCA1 gene, results from an A to G substitution at nucleotide position 2209. The threonine at codon 737 is replaced by alanine, an amino acid with similar properties. This amino acid position is not well conserved in available vertebrate species. In addition, the in silico prediction for this alteration is inconclusive. Based on the available evidence, the clinical significance of this variant remains unclear.

Labcorp Genetics (formerly Invitae), Labcorp
Classification: Uncertain significance for Hereditary breast ovarian cancer syndrome. Last evaluated: 2025-03-01. Review status: criteria provided, single submitter. Criteria: Invitae Variant Classification Sherloc (09022015). Collection method: clinical testing. Allele origin: germline.
Comment: This sequence change replaces threonine, which is neutral and polar, with alanine, which is neutral and non-polar, at codon 737 of the BRCA1 protein (p.Thr737Ala). This variant is not present in population databases (gnomAD no frequency). This variant has not been reported in the literature in individuals affected with BRCA1-related conditions. ClinVar contains an entry for this variant (Variation ID: 584951). Invitae Evidence Modeling of protein sequence and biophysical properties (such as structural, functional, and spatial information, amino acid conservation, physicochemical variation, residue mobility, and thermodynamic stability) indicates that this missense variant is not expected to disrupt BRCA1 protein function with a negative predictive value of 80%. In summary, the available evidence is currently insufficient to determine the role of this variant in disease. Therefore, it has been classified as a Variant of Uncertain Significance.

Department of Pathology and Laboratory Medicine, Sinai Health System
Classification: Uncertain significance for Familial cancer of breast; Breast-ovarian cancer, familial, susceptibility to, 1; Fanconi anemia, complementation group S. Last evaluated: 2023-06-12. Review status: criteria provided, single submitter. Criteria: ACMG Guidelines, 2015. Collection method: clinical testing. Allele origin: germline. Affected: yes.

University of Washington Department of Laboratory Medicine, University of Washington
Classification: Likely benign for Hereditary cancer-predisposing syndrome. Last evaluated: 2023-03-23. Review status: criteria provided, single submitter. Criteria: Dines et al. (Genet Med. 2020). Collection method: curation. Allele origin: germline.
Comment: Missense variant in a coldspot region where missense variants are very unlikely to be pathogenic (PMID:31911673).

BRCA1 coldspot (exon 11 using historical exon numbering). Reclassification based on statistical prior probability

Mendelics
Classification: Uncertain significance for Breast-ovarian cancer, familial, susceptibility to, 1. Last evaluated: 2019-05-28. Review status: criteria provided, single submitter. Criteria: Mendelics Assertion Criteria 2017. Collection method: clinical testing. Allele origin: unknown.

Color Diagnostics, LLC DBA Color Health
Classification: Uncertain significance for Hereditary cancer-predisposing syndrome. Last evaluated: 2019-05-16. Review status: criteria provided, single submitter. Criteria: ACMG Guidelines, 2015. Collection method: clinical testing. Allele origin: germline.

Literature cited by the submitters: PubMed 33471991 (cited by Department of Pathology and Laboratory Medicine, Sinai Health System).

NM_007294.4(BRCA1):c.2209A>G (p.Thr737Ala)

Gene: BRCA1 (BRCA1 DNA repair associated; minus strand). Cytogenetic location: 17q21.31.
Variant type: single nucleotide variant.
Coding change: c.2209A>G on transcript NM_007294.4 (MANE Select); coding-DNA position 2209, A replaced by G.
Protein change: p.Thr737Ala; replaces threonine 737 with alanine.
Molecular consequence: missense variant. On other transcripts: intron variant (137).
Genome position (GRCh38, 1-based): chr17:43,093,322, T>C on the plus strand (A>G on the coding strand, the complement: BRCA1 is on the minus strand). VCF-style: chr17-43093322-T-C. GRCh37 (hg19) VCF-style: chr17-41245339-T-C.
Other names: c.2209A>G, p.Thr737Ala (NM_001407617.1, NM_001407618.1, NM_001407619.1 and 30 more transcripts); c.2206A>G, p.Thr736Ala (NM_001407636.1, NM_001407637.1, NM_001407638.1 and 22 more transcripts); c.2200A>G, p.Thr734Ala (NM_001407646.1, NM_001407647.1); c.2131A>G, p.Thr711Ala (NM_001407658.1, NM_001407663.1, NM_001407653.1 and 4 more transcripts); c.2128A>G, p.Thr710Ala (NM_001407659.1, NM_001407660.1, NM_001407661.1 and 1 more transcripts); c.2086A>G, p.Thr696Ala (NM_001407664.1, NM_001407665.1, NM_001407666.1 and 19 more transcripts); c.2083A>G, p.Thr695Ala (NM_001407685.1, NM_001407686.1, NM_001407649.1 and 11 more transcripts); c.2068A>G, p.Thr690Ala (NM_001407697.1, NM_001407698.1, NM_001407724.1 and 29 more transcripts); and 41 more; short protein forms T737A, T690A, T625A, T626A, T669A, T689A, T610A, T649A.
Identifiers: ClinVar variation 584951 (VCV000584951.14), dbSNP rs1567796585, ClinGen allele CA10597579.